The following is an entry in ClinVar:

ClinVar aggregate classification (germline): Uncertain significance. Review status: criteria provided, multiple submitters, no conflicts (2 of 4 stars). 2 submissions from 2 submitters: Uncertain significance (2). Last evaluated 2023-02-03.

Conditions:
Hereditary cancer-predisposing syndrome. Also called: Hereditary neoplastic syndrome; Neoplastic Syndromes, Hereditary; Hereditary Cancer Syndrome; Tumor predisposition. Identifiers: Orphanet 140162, MedGen C0027672, MeSH D009386, MONDO:0015356.
Rhabdoid tumor predisposition syndrome 2 (RTPS2). Identifiers: Orphanet 231108, Orphanet 69077, MedGen C2750074, MONDO:0013224, OMIM 613325.

Allele frequency attached by ClinVar (database versions not stated): TOPMed below 0.00001.
gnomAD v4.1: 1 of 1,614,152 alleles (0.000062%); highest among the groups gnomAD compares: Non-Finnish European, 0.000085%; no homozygotes.

Submissions (2):

Ambry Genetics
Classification: Uncertain significance for Hereditary cancer-predisposing syndrome. Last evaluated: 2023-02-03. Review status: criteria provided, single submitter. Criteria: Ambry Variant Classification Scheme 2023. Collection method: clinical testing. Allele origin: germline.
Comment: The p.K399I variant (also known as c.1196A>T), located in coding exon 6 of the SMARCA4 gene, results from an A to T substitution at nucleotide position 1196. The lysine at codon 399 is replaced by isoleucine, an amino acid with dissimilar properties. This amino acid position is highly conserved in available vertebrate species. In addition, this alteration is predicted to be deleterious by in silico analysis. Missense and in-frame variants in SMARCA4 are known to cause neurodevelopmental disorders; however, such associations with rhabdoid tumor predisposition syndrome including small cell carcinoma of the ovary-hypercalcemic type (SCCOHT) are exceedingly rare (Kosho T et al. Am J Med Genet C Semin Med Genet. 2014 Sep;166C(3):262-75; Jelinic P et al. Nat Genet. 2014 May;46(5):424-6). Since supporting evidence is limited at this time, the clinical significance of this alteration remains unclear.

Labcorp Genetics (formerly Invitae), Labcorp
Classification: Uncertain significance for Rhabdoid tumor predisposition syndrome 2. Last evaluated: 2021-06-02. Review status: criteria provided, single submitter. Criteria: Invitae Variant Classification Sherloc (09022015). Collection method: clinical testing. Allele origin: germline.
Comment: Algorithms developed to predict the effect of missense changes on protein structure and function (SIFT, PolyPhen-2, Align-GVGD) all suggest that this variant is likely to be disruptive, but these predictions have not been confirmed by published functional studies and their clinical significance is uncertain. This variant has not been reported in the literature in individuals with SMARCA4-related conditions. This variant is not present in population databases (ExAC no frequency). This sequence change replaces lysine with isoleucine at codon 399 of the SMARCA4 protein (p.Lys399Ile). The lysine residue is highly conserved and there is a moderate physicochemical difference between lysine and isoleucine. In summary, the available evidence is currently insufficient to determine the role of this variant in disease. Therefore, it has been classified as a Variant of Uncertain Significance.

NM_003072.5(SMARCA4):c.1196A>T (p.Lys399Ile)

Gene: SMARCA4 (SWI/SNF related BAF chromatin remodeling complex subunit ATPase 4; plus strand). Cytogenetic location: 19p13.2.
Variant type: single nucleotide variant.
Coding change: c.1196A>T on transcript NM_003072.5 (MANE Select); coding-DNA position 1196, A replaced by T.
Protein change: p.Lys399Ile; replaces lysine 399 with isoleucine.
Molecular consequence: missense variant. On other transcripts: non-coding transcript variant (1).
Genome position (GRCh38, 1-based): chr19:10,989,394, A>T. VCF-style: chr19-10989394-A-T. GRCh37 (hg19) VCF-style: chr19-11100070-A-T.
Other names: c.1196A>T, p.Lys399Ile (NM_001128844.3, NM_001128845.2, NM_001128846.2 and 5 more transcripts); c.1196A>T (NM_001128849.1); short protein forms K399I.
Identifiers: ClinVar variation 1487745 (VCV001487745.9), dbSNP rs1364132635, ClinGen allele CA404059651.